The following is an entry in ClinVar:

ClinVar aggregate classification (germline): Uncertain significance (1 of 4 stars; one submission).

Conditions:
Hereditary cancer-predisposing syndrome. Also called: Hereditary Cancer Syndrome; Hereditary neoplastic syndrome; Neoplastic Syndromes, Hereditary; Tumor predisposition. Identifiers: Orphanet 140162, MedGen C0027672, MeSH D009386, MONDO:0015356.

Submission:

Ambry Genetics
Classification: Uncertain significance for Hereditary cancer-predisposing syndrome. Last evaluated: 2019-05-19. Review status: criteria provided, single submitter. Criteria: Ambry Variant Classification Scheme 2023. Collection method: clinical testing. Allele origin: germline.
Comment: The p.H502Q variant (also known as c.1506C>A), located in coding exon 14 of the TSC2 gene, results from a C to A substitution at nucleotide position 1506. The histidine at codon 502 is replaced by glutamine, an amino acid with highly similar properties. This amino acid position is poorly conserved in available vertebrate species. In addition, the in silico prediction for this alteration is inconclusive. Since supporting evidence is limited at this time, the clinical significance of this alteration remains unclear.

NM_000548.5(TSC2):c.1506C>A (p.His502Gln)

Gene: TSC2 (TSC complex subunit 2; plus strand). Cytogenetic location: 16p13.3.
Variant type: single nucleotide variant.
Coding change: c.1506C>A on transcript NM_000548.5 (MANE Select); coding-DNA position 1506, C replaced by A.
Protein change: p.His502Gln; replaces histidine 502 with glutamine.
Molecular consequence: missense variant.
Genome position (GRCh38, 1-based): chr16:2,064,334, C>A. VCF-style: chr16-2064334-C-A. GRCh37 (hg19) VCF-style: chr16-2114335-C-A.
Other names: c.1506C>A, p.His502Gln (NM_001077183.3, NM_001114382.3, NM_001363528.2 and 6 more transcripts); c.1395C>A, p.His465Gln (NM_001318827.2, NM_001406670.1, NM_001406678.1); c.1359C>A, p.His453Gln (NM_001318829.2, NM_001406675.1, NM_001406676.1 and 1 more transcripts); c.906C>A, p.His302Gln (NM_001318831.2, NM_001406680.1, NM_001406682.1 and 6 more transcripts); c.1539C>A, p.His513Gln (NM_001318832.2); c.1596C>A, p.His532Gln (NM_001406667.1, NM_001406668.1); c.1494C>A, p.His498Gln (NM_001406671.1, NM_001406673.1); c.1449C>A, p.His483Gln (NM_001406677.1); and 3 more; short protein forms H348Q, H498Q, H54Q, H453Q, H483Q, H502Q, H532Q, H302Q.
Identifiers: ClinVar variation 1774086 (VCV001774086.2), dbSNP rs2548570951, ClinGen allele CA394326102.